The following is an entry in ClinVar:

NM_014317.5(PDSS1):c.*264A>T

Genes: ABI1 (abl interactor 1; minus strand), PDSS1 (decaprenyl diphosphate synthase subunit 1; plus strand). Cytogenetic location: 10p12.1.
Variant type: single nucleotide variant.
Coding change: c.*264A>T on transcript NM_014317.5 (MANE Select); 264 bases downstream of the stop codon, A replaced by T.
Molecular consequence: 3 prime UTR variant. On other transcripts: non-coding transcript variant (1).
Genome position (GRCh38, 1-based): chr10:26,746,737, A>T. VCF-style: chr10-26746737-A-T. GRCh37 (hg19) VCF-style: chr10-27035666-A-T.
Other names: c.*1833T>A (NM_001012750.3, NM_001012751.3, NM_001012752.3 and 16 more transcripts); c.*400A>T (NM_001321978.2); c.*264A>T (NM_001321979.2).
Identifiers: ClinVar variation 299708 (VCV000299708.5), dbSNP rs144623506, ClinGen allele CA10628426.

ClinVar aggregate classification (germline): Likely benign (1 of 4 stars; one submission).

Conditions:
Deafness-encephaloneuropathy-obesity-valvulopathy syndrome. Identifiers: Orphanet 254898, MedGen C3553354, MONDO:0013837, OMIM 614651.

Allele frequency attached by ClinVar (database versions not stated): gnomAD exomes 0.00037; gnomAD 0.00271 and 0.00283; TOPMed 0.00312; 1000 Genomes Project 30x 0.00375; 1000 Genomes Project 0.00399.
gnomAD v4.1: 538 of 474,166 alleles (0.11%); highest among the groups gnomAD compares: African/African-American, 0.91%; 1 homozygote.

Submission:

Illumina Laboratory Services, Illumina
Classification: Likely benign for Deafness-encephaloneuropathy-obesity-valvulopathy syndrome. Last evaluated: 2018-01-13. Review status: criteria provided, single submitter. Criteria: ICSL Variant Classification Criteria 13 December 2019. Collection method: clinical testing. Allele origin: germline.
Comment: This variant was observed in the ICSL laboratory as part of a predisposition screen in an ostensibly healthy population. It had not been previously curated by ICSL or reported in the Human Gene Mutation Database (HGMD: prior to June 1st, 2018), and was therefore a candidate for classification through an automated scoring system. Utilizing variant allele frequency, disease prevalence and penetrance estimates, and inheritance mode, an automated score was calculated to assess if this variant is too frequent to cause the disease. Based on the score and internal cut-off values, a variant classified as likely benign is not then subjected to further curation. The score for this variant resulted in a classification of likely benign for this disease.